The following is an entry in ClinVar:

NM_005618.4(DLL1):c.1564G>A (p.Glu522Lys)

Gene: DLL1 (delta like canonical Notch ligand 1; minus strand). Cytogenetic location: 6q27.
Variant type: single nucleotide variant.
Coding change: c.1564G>A on transcript NM_005618.4 (MANE Select); coding-DNA position 1564, G replaced by A.
Protein change: p.Glu522Lys; replaces glutamic acid 522 with lysine.
Molecular consequence: missense variant.
Genome position (GRCh38, 1-based): chr6:170,283,715, C>T on the plus strand (G>A on the coding strand, the complement: DLL1 is on the minus strand). VCF-style: chr6-170283715-C-T. GRCh37 (hg19) VCF-style: chr6-170592803-C-T.
Other names: short protein forms E522K.
Identifiers: ClinVar variation 778929 (VCV000778929.34), dbSNP rs201048142, ClinGen allele CA4106792.
Genomic context (GRCh38, chr6:170,283,715, plus strand): 5'-GCCCGCCCTGGCCCTCTAGCTTCTCAGTGAGGTCCACCACCGCTGGGCCCGGGGGCAGCT[C>T]GGGGAGCAGGAACTGGCAGTTGGGACCCCCGTAGCCTCGGGCACACTCGCACACATAGCG-3'
Protein context (NP_005609.3, residues 512-532): GGPNCQFLLP[Glu522Lys]LPPGPAVVDL

ClinVar aggregate classification (germline): Benign/Likely benign. Review status: criteria provided, multiple submitters, no conflicts (2 of 4 stars). 2 submissions from 2 submitters: Benign (1); Likely benign (1). Last evaluated 2026-01-06.

Allele frequency attached by ClinVar (database versions not stated): gnomAD exomes 0.00088; ExAC 0.00172; 1000 Genomes Project 0.00339; gnomAD 0.00341 and 0.00368; 1000 Genomes Project 30x 0.00359; ESP Exome Variant Server 0.00384; TOPMed 0.00399.
gnomAD v4.1: 1,001 of 1,550,912 alleles (0.065%); highest among the groups gnomAD compares: African/African-American, 1.2%; 10 homozygotes.

Submissions (3):

Labcorp Genetics (formerly Invitae), Labcorp
Classification: Benign. Last evaluated: 2026-01-06. Review status: criteria provided, single submitter. Criteria: Invitae Variant Classification Sherloc (09022015). Collection method: clinical testing. Allele origin: germline.

CeGaT Center for Human Genetics Tuebingen
Classification: Likely benign. Last evaluated: 2025-11-01. Review status: criteria provided, single submitter. Criteria: CeGaT Center For Human Genetics Tuebingen Variant Classification Criteria Version 2. Collection method: clinical testing. Allele origin: germline. Affected: yes. Observed: 3 variant alleles.
Comment: DLL1: BS1

Dr. Peter K. Rogan Lab, Western University
No classification provided (evidence only). Condition: Uterine carcinosarcoma. Review status: no classification provided. Collection method: in vitro. Allele origin: not applicable. Functional consequence: retained intron. Not counted in ClinVar's aggregate classification.